The following is an entry in ClinVar:

ClinVar aggregate classification (germline): Benign (1 of 4 stars; one submission).

Conditions:
CEDNIK syndrome. Also called: CEREBRAL DYSGENESIS, NEUROPATHY, ICHTHYOSIS, AND PALMOPLANTAR KERATODERMA SYNDROME; Cerebral dysgenesis, neuropathy, ichthyosis, and palmoplantar keratoderma. Identifiers: Orphanet 66631, MedGen C1836033, MONDO:0012290, OMIM 609528.

Allele frequency attached by ClinVar (database versions not stated): 1000 Genomes Project 0.00539; TOPMed 0.00734; 1000 Genomes Project 30x 0.00796; gnomAD 0.01070 and 0.01086.
gnomAD v4.1: 2,759 of 240,324 alleles (1.1%); highest among the groups gnomAD compares: Non-Finnish European, 1.6%; 23 homozygotes.

Submission:

Illumina Laboratory Services, Illumina
Classification: Benign for CEDNIK syndrome. Last evaluated: 2018-01-13. Review status: criteria provided, single submitter. Criteria: ICSL Variant Classification Criteria 13 December 2019. Collection method: clinical testing. Allele origin: germline.
Comment: This variant was observed in the ICSL laboratory as part of a predisposition screen in an ostensibly healthy population. It had not been previously curated by ICSL or reported in the Human Gene Mutation Database (HGMD: prior to June 1st, 2018), and was therefore a candidate for classification through an automated scoring system. Utilizing variant allele frequency, disease prevalence and penetrance estimates, and inheritance mode, an automated score was calculated to assess if this variant is too frequent to cause the disease. Based on the score and internal cut-off values, a variant classified as benign is not then subjected to further curation. The score for this variant resulted in a classification of benign for this disease.

NM_004782.4(SNAP29):c.*2783C>T

Gene: SNAP29 (synaptosome associated protein 29; plus strand). Cytogenetic location: 22q11.21.
Variant type: single nucleotide variant.
Coding change: c.*2783C>T on transcript NM_004782.4 (MANE Select); 2783 bases downstream of the stop codon, C replaced by T.
Molecular consequence: 3 prime UTR variant.
Genome position (GRCh38, 1-based): chr22:20,890,619, C>T. VCF-style: chr22-20890619-C-T. GRCh37 (hg19) VCF-style: chr22-21244907-C-T.
Identifiers: ClinVar variation 340888 (VCV000340888.5), dbSNP rs142566638, ClinGen allele CA10653245.
Genomic context (GRCh38, chr22:20,890,619, plus strand): 5'-CATCCTGGCTAACACGGTGAAACCCCATCTCTACTAAAAACACACAAAAAATTAGCTGGG[C>T]GTGGTGGTGGGCGCCTGTAGTCCCAGCTACTCAGGAGGCTGAGGCAGGAGAATGGCATGA-3'